The following is an entry in ClinVar:

ClinVar aggregate classification (germline): Benign (1 of 4 stars; one submission).

Conditions:
Familial colorectal cancer type X. Identifiers: Orphanet 440437, MedGen C3896578, MONDO:0018604.

gnomAD v4.1: 1 of 1,551,608 alleles (0.000064%); highest among the groups gnomAD compares: Admixed American, 0.002%; no homozygotes.

Submission:

Myriad Genetics, Inc.
Classification: Benign for Familial colorectal cancer type X. Last evaluated: 2026-08-04. Review status: criteria provided, single submitter. Criteria: Myriad Autosomal Dominant, Autosomal Recessive and X-Linked Classification Criteria (2023). Collection method: clinical testing. Allele origin: unknown.
Comment: This variant is considered benign. This variant is a silent/synonymous amino acid change and it is not expected to impact splicing.

NM_001146227.3(RPS20):c.414G>A (p.Gly138=)

Gene: RPS20 (ribosomal protein S20; minus strand). Cytogenetic location: 8q12.1.
Variant type: single nucleotide variant.
Coding change: c.414G>A on transcript NM_001146227.3; coding-DNA position 414, G replaced by A.
Protein change: p.Gly138=; no amino-acid change (glycine 138 retained).
Molecular consequence: synonymous variant.
Genome position (GRCh38, 1-based): chr8:56,069,753, C>T on the plus strand (G>A on the coding strand, the complement: RPS20 is on the minus strand). VCF-style: chr8-56069753-C-T. GRCh37 (hg19) VCF-style: chr8-56982312-C-T.
Identifiers: ClinVar variation 5042217 (VCV005042217.1).